The following is an entry in ClinVar:

ClinVar aggregate classification (germline): Likely benign. Review status: criteria provided, multiple submitters, no conflicts (2 of 4 stars). 2 submissions from 2 submitters: Likely benign (2). Last evaluated 2026-01-19.

Allele frequency attached by ClinVar (database versions not stated): gnomAD 0.00001; TOPMed 0.00002.
gnomAD v4.1: 47 of 1,614,034 alleles (0.0029%); highest among the groups gnomAD compares: Non-Finnish European, 0.0036%; no homozygotes.

Submissions (2):

Labcorp Genetics (formerly Invitae), Labcorp
Classification: Likely benign. Last evaluated: 2026-01-19. Review status: criteria provided, single submitter. Criteria: Invitae Variant Classification Sherloc (09022015). Collection method: clinical testing. Allele origin: germline.

CeGaT Center for Human Genetics Tuebingen
Classification: Likely benign. Last evaluated: 2025-03-01. Review status: criteria provided, single submitter. Criteria: CeGaT Center For Human Genetics Tuebingen Variant Classification Criteria Version 2. Collection method: clinical testing. Allele origin: germline. Affected: yes. Observed: 1 variant allele.
Comment: KARS1: BP4, BP7

NM_005548.3(KARS1):c.363G>A (p.Leu121=)

Gene: KARS1 (lysyl-tRNA synthetase 1; minus strand). Cytogenetic location: 16q23.1.
Variant type: single nucleotide variant.
Coding change: c.363G>A on transcript NM_005548.3 (MANE Select); coding-DNA position 363, G replaced by A.
Protein change: p.Leu121=; no amino-acid change (leucine 121 retained).
Molecular consequence: synonymous variant. On other transcripts: 5 prime UTR variant (1).
Genome position (GRCh38, 1-based): chr16:75,640,209, C>T on the plus strand (G>A on the coding strand, the complement: KARS1 is on the minus strand). VCF-style: chr16-75640209-C-T. GRCh37 (hg19) VCF-style: chr16-75674107-C-T.
Other names: c.447G>A, p.Leu149= (NM_001130089.2); c.-106G>A (NM_001378148.1).
Identifiers: ClinVar variation 1682447 (VCV001682447.15), dbSNP rs780667483, ClinGen allele CA8177661.
Genomic context (GRCh38, chr16:75,640,209, plus strand): 5'-TGGGAGTTCAGTGATTTGCCAGGGAGAGTTCCTACCTGCCACCTTTAAGGTGATGTCAGT[C>T]AGGTGATCCCCAGGCTGCAGGTGACTATATTTTTGGATGAAGTCAGTGAGTGAGATGTCT-3'
Protein context (NP_005539.1, residues 111-131): KYSHLQPGDH[Leu121=]TDITLKVAGR